The following is an entry in ClinVar:

ClinVar aggregate classification (germline): Uncertain significance (1 of 4 stars; one submission).

Allele frequency attached by ClinVar (database versions not stated): ExAC 0.00001; gnomAD 0.00003; gnomAD exomes 0.00003; TOPMed 0.00007.

Submission:

Labcorp Genetics (formerly Invitae), Labcorp
Classification: Uncertain significance. Last evaluated: 2025-10-02. Review status: criteria provided, single submitter. Criteria: Invitae Variant Classification Sherloc (09022015). Collection method: clinical testing. Allele origin: germline.
Comment: This sequence change replaces proline, which is neutral and non-polar, with serine, which is neutral and polar, at codon 52 of the COX4I2 protein (p.Pro52Ser). This variant is present in population databases (rs752845668, gnomAD 0.006%). This variant has not been reported in the literature in individuals affected with COX4I2-related conditions. ClinVar contains an entry for this variant (Variation ID: 1906309). An algorithm developed to predict the effect of missense changes on protein structure and function (PolyPhen-2) suggests that this variant is likely to be disruptive. In summary, the available evidence is currently insufficient to determine the role of this variant in disease. Therefore, it has been classified as a Variant of Uncertain Significance.

NM_032609.3(COX4I2):c.154C>T (p.Pro52Ser)

Gene: COX4I2 (cytochrome c oxidase subunit 4I2; plus strand). Cytogenetic location: 20q11.21.
Variant type: single nucleotide variant.
Coding change: c.154C>T on transcript NM_032609.3 (MANE Select); coding-DNA position 154, C replaced by T.
Protein change: p.Pro52Ser; replaces proline 52 with serine.
Molecular consequence: missense variant.
Genome position (GRCh38, 1-based): chr20:31,640,004, C>T. VCF-style: chr20-31640004-C-T. GRCh37 (hg19) VCF-style: chr20-30227807-C-T.
Other names: short protein forms P52S.
Identifiers: ClinVar variation 1906309 (VCV001906309.5), dbSNP rs752845668, ClinGen allele CA9801879.
Genomic context (GRCh38, chr20:31,640,004, plus strand): 5'-GGGAAGATGTCCCCCTACACCAACTGCTATGCCCAGCGCTACTACCCCATGCCAGAAGAG[C>T]CCTTCTGCACAGAACTCAACGCTGAGGAGCAGGCCCTGAAGGAGAAGGAGAAGGGAAGCT-3'
Protein context (NP_115998.2, residues 42-62): AQRYYPMPEE[Pro52Ser]FCTELNAEEQ